The following is an entry in ClinVar:

ClinVar aggregate classification (germline): Uncertain significance. Review status: criteria provided, multiple submitters, no conflicts (2 of 4 stars). 2 submissions from 2 submitters: Uncertain significance (2). Last evaluated 2025-09-24.

Conditions:
Birt-Hogg-Dube syndrome. Also called: Birt Hogg Dubé syndrome. Identifiers: Orphanet 122, MedGen C0346010, MONDO:0800444.
Hereditary cancer-predisposing syndrome. Also called: Neoplastic Syndromes, Hereditary; Hereditary neoplastic syndrome; Tumor predisposition; Hereditary Cancer Syndrome. Identifiers: Orphanet 140162, MedGen C0027672, MeSH D009386, MONDO:0015356.

Allele frequency attached by ClinVar (database versions not stated): gnomAD exomes below 0.00001.

Submissions (2):

Labcorp Genetics (formerly Invitae), Labcorp
Classification: Uncertain significance for Birt-Hogg-Dube syndrome. Last evaluated: 2025-09-24. Review status: criteria provided, single submitter. Criteria: Invitae Variant Classification Sherloc (09022015). Collection method: clinical testing. Allele origin: germline.
Comment: This sequence change replaces threonine, which is neutral and polar, with isoleucine, which is neutral and non-polar, at codon 174 of the FLCN protein (p.Thr174Ile). This variant is not present in population databases (gnomAD no frequency). This variant has not been reported in the literature in individuals affected with FLCN-related conditions. ClinVar contains an entry for this variant (Variation ID: 839023). Invitae Evidence Modeling of protein sequence and biophysical properties (such as structural, functional, and spatial information, amino acid conservation, physicochemical variation, residue mobility, and thermodynamic stability) indicates that this missense variant is not expected to disrupt FLCN protein function with a negative predictive value of 80%. In summary, the available evidence is currently insufficient to determine the role of this variant in disease. Therefore, it has been classified as a Variant of Uncertain Significance.

Ambry Genetics
Classification: Uncertain significance for Hereditary cancer-predisposing syndrome. Last evaluated: 2024-05-23. Review status: criteria provided, single submitter. Criteria: Ambry Variant Classification Scheme 2023. Collection method: clinical testing. Allele origin: germline.
Comment: The p.T174I variant (also known as c.521C>T), located in coding exon 3 of the FLCN gene, results from a C to T substitution at nucleotide position 521. The threonine at codon 174 is replaced by isoleucine, an amino acid with similar properties. This amino acid position is conserved. In addition, this alteration is predicted to be tolerated by in silico analysis. Based on the available evidence, the clinical significance of this variant remains unclear.

NM_144997.7(FLCN):c.521C>T (p.Thr174Ile)

Gene: FLCN (folliculin; minus strand). Cytogenetic location: 17p11.2.
Variant type: single nucleotide variant.
Coding change: c.521C>T on transcript NM_144997.7 (MANE Select); coding-DNA position 521, C replaced by T.
Protein change: p.Thr174Ile; replaces threonine 174 with isoleucine.
Molecular consequence: missense variant.
Genome position (GRCh38, 1-based): chr17:17,224,019, G>A on the plus strand (C>T on the coding strand, the complement: FLCN is on the minus strand). VCF-style: chr17-17224019-G-A. GRCh37 (hg19) VCF-style: chr17-17127333-G-A.
Other names: c.575C>T, p.Thr192Ile (NM_001353229.2); c.521C>T, p.Thr174Ile (NM_001353230.2, NM_001353231.2, NM_144606.7); short protein forms T174I, T192I.
Identifiers: ClinVar variation 839023 (VCV000839023.8), dbSNP rs886799065, ClinGen allele CA288317079.